The following is an entry in ClinVar:

NM_001297.5(CNGB1):c.2804_2817del (p.Glu935fs)

Gene: CNGB1 (cyclic nucleotide gated channel subunit beta 1; minus strand). Cytogenetic location: 16q21.
Variant type: Deletion.
Coding change: c.2804_2817del on transcript NM_001297.5 (MANE Select); coding-DNA positions 2804 to 2817, 14 bases deleted (AGCTGATGGTGCAG).
Protein change: p.Glu935fs; shifts the reading frame from glutamic acid 935.
Molecular consequence: frameshift variant.
Genome position (GRCh38, 1-based): chr16:57,901,603-57,901,616, CTGCACCATCAGCT deleted on the plus strand (AGCTGATGGTGCAG on the coding strand, the reverse complement: CNGB1 is on the minus strand); deleting any 14 consecutive bases within chr16:57,901,603-57,901,619 gives the same sequence; the c. name uses the placement nearest the transcript's 3' end. VCF-style (leftmost placement, unchanged base first): chr16-57901602-GCTGCACCATCAGCT-G. GRCh37 (hg19) VCF-style: chr16-57935506-GCTGCACCATCAGCT-G.
Other names: NC_000016.9:g.57935510_57935523del; NP_001288.3:p.(Glu935AlafsTer19); c.2786_2799del, p.Glu929fs (NM_001286130.2); short protein forms E929fs, E935fs.
Identifiers: ClinVar variation 3381784 (VCV003381784.2).

ClinVar aggregate classification (germline): Pathogenic (1 of 4 stars; one submission).

Conditions:
Retinal dystrophy. Also called: Inherited retinal dystrophy. Identifiers: Orphanet 71862, MedGen C0854723, MeSH D058499, MONDO:0019118, HP:0000556.

Submission:

Ophthalmic Genetics Group, Institute of Molecular and Clinical Ophthalmology Basel
Classification: Pathogenic for Retinal dystrophy. Last evaluated: 2024-05-27. Review status: criteria provided, single submitter. Criteria: ACMG Guidelines, 2015. Collection method: research. Allele origin: germline. Affected: yes. Observed: 3 variant alleles.
Comment: This variant was classified as Pathogenic based on ACMG criteria: PVS1_very strong, PM2_mod, PM3_mod and PP1_strong

Literature cited by the submitters: PubMed 40180963.